The following is an entry in ClinVar:

ClinVar aggregate classification (germline): Uncertain significance (1 of 4 stars; one submission).

Submission:

Labcorp Genetics (formerly Invitae), Labcorp
Classification: Uncertain significance. Last evaluated: 2022-03-11. Review status: criteria provided, single submitter. Criteria: Invitae Variant Classification Sherloc (09022015). Collection method: clinical testing. Allele origin: germline.
Comment: In summary, the available evidence is currently insufficient to determine the role of this variant in disease. Therefore, it has been classified as a Variant of Uncertain Significance. Advanced modeling of protein sequence and biophysical properties (such as structural, functional, and spatial information, amino acid conservation, physicochemical variation, residue mobility, and thermodynamic stability) performed at Invitae indicates that this missense variant is expected to disrupt TPP1 protein function. This variant has not been reported in the literature in individuals affected with TPP1-related conditions. This variant is not present in population databases (gnomAD no frequency). This sequence change replaces proline, which is neutral and non-polar, with serine, which is neutral and polar, at codon 505 of the TPP1 protein (p.Pro505Ser).

NM_000391.4(TPP1):c.1513C>T (p.Pro505Ser)

Gene: TPP1 (tripeptidyl peptidase 1; minus strand). Cytogenetic location: 11p15.4.
Variant type: single nucleotide variant.
Coding change: c.1513C>T on transcript NM_000391.4 (MANE Select); coding-DNA position 1513, C replaced by T.
Protein change: p.Pro505Ser; replaces proline 505 with serine.
Molecular consequence: missense variant.
Genome position (GRCh38, 1-based): chr11:6,614,904, G>A on the plus strand (C>T on the coding strand, the complement: TPP1 is on the minus strand). VCF-style: chr11-6614904-G-A. GRCh37 (hg19) VCF-style: chr11-6636135-G-A.
Other names: short protein forms P505S.
Identifiers: ClinVar variation 2109056 (VCV002109056.4), dbSNP rs2493795829, ClinGen allele CA379472323.